The following is an entry in ClinVar:

ClinVar aggregate classification (germline): Likely pathogenic (1 of 4 stars; one submission).

Submission:

Labcorp Genetics (formerly Invitae), Labcorp
Classification: Likely pathogenic. Last evaluated: 2023-06-09. Review status: criteria provided, single submitter. Criteria: Invitae Variant Classification Sherloc (09022015). Collection method: clinical testing. Allele origin: germline.
Comment: In summary, the currently available evidence indicates that the variant is pathogenic, but additional data are needed to prove that conclusively. Therefore, this variant has been classified as Likely Pathogenic. Algorithms developed to predict the effect of sequence changes on RNA splicing suggest that this variant may disrupt the consensus splice site. This variant has not been reported in the literature in individuals affected with HPS5-related conditions. This variant is not present in population databases (gnomAD no frequency). This sequence change affects an acceptor splice site in intron 15 of the HPS5 gene. It is expected to disrupt RNA splicing. Variants that disrupt the donor or acceptor splice site typically lead to a loss of protein function (PMID: 16199547), and loss-of-function variants in HPS5 are known to be pathogenic (PMID: 12548288, 15296495, 21833017, 26785811).

Literature cited by the submitters: PubMed 16199547; PubMed 12548288; PubMed 15296495; PubMed 21833017; PubMed 26785811.

NM_181507.2(HPS5):c.1863-1G>A

Gene: HPS5 (HPS5 biogenesis of lysosomal organelles complex 2 subunit 2; minus strand). Cytogenetic location: 11p15.1.
Variant type: single nucleotide variant.
Coding change: c.1863-1G>A on transcript NM_181507.2 (MANE Select); the canonical splice acceptor site of the intron before coding-DNA position 1863, G replaced by A.
Molecular consequence: splice acceptor variant. On other transcripts: intron variant (1).
Genome position (GRCh38, 1-based): chr11:18,292,020, C>T on the plus strand (G>A on the coding strand, the complement: HPS5 is on the minus strand). VCF-style: chr11-18292020-C-T. GRCh37 (hg19) VCF-style: chr11-18313567-C-T.
Other names: c.1449-1G>A (NM_001440929.1, NM_001440928.1, NM_001440927.1); c.1521-1G>A (NM_181508.2, NM_001440921.1, NM_001440926.1 and 7 more transcripts); c.1752-1G>A (NM_001440915.1, NM_001440914.1, NM_001440913.1); c.1862+879G>A (NM_001440931.1); c.1863-1G>A (NM_001440917.1, NM_001440906.1, NM_001440905.1 and 4 more transcripts); c.1788-1G>A (NM_001440907.1, NM_001440909.1, NM_001440908.1); c.1650-1G>A (NM_001440919.1); c.1677-1G>A (NM_001440918.1).
Identifiers: ClinVar variation 2866847 (VCV002866847.3), dbSNP rs2134287969, ClinGen allele CA379491694.